The following is an entry in ClinVar:

ClinVar aggregate classification (germline): Pathogenic (1 of 4 stars; one submission).

Submission:

Labcorp Genetics (formerly Invitae), Labcorp
Classification: Pathogenic. Last evaluated: 2023-06-25. Review status: criteria provided, single submitter. Criteria: Invitae Variant Classification Sherloc (09022015). Collection method: clinical testing. Allele origin: germline.
Comment: For these reasons, this variant has been classified as Pathogenic. This variant has not been reported in the literature in individuals affected with LRP2-related conditions. This variant is not present in population databases (gnomAD no frequency). This sequence change creates a premature translational stop signal (p.Gly3488Argfs*9) in the LRP2 gene. It is expected to result in an absent or disrupted protein product. Loss-of-function variants in LRP2 are known to be pathogenic (PMID: 17632512, 25682901).

Literature cited by the submitters: PubMed 17632512; PubMed 25682901.

NM_004525.3(LRP2):c.10461dup (p.Gly3488fs)

Gene: LRP2 (LDL receptor related protein 2; minus strand). Cytogenetic location: 2q31.1.
Variant type: Duplication.
Coding change: c.10461dup on transcript NM_004525.3 (MANE Select); coding-DNA position 10461, one base duplicated (A; older notation c.10461dupA).
Protein change: p.Gly3488fs; shifts the reading frame from glycine 3488.
Molecular consequence: frameshift variant.
Genome position (GRCh38, 1-based): chr2:169,176,521, T duplicated on the plus strand (A on the coding strand, the reverse complement: LRP2 is on the minus strand); the first of 4 consecutive T bases (chr2:169,176,521-169,176,524); duplicating any one gives the same sequence. VCF-style (leftmost placement, unchanged base first): chr2-169176520-C-CT. GRCh37 (hg19) VCF-style: chr2-170033030-C-CT.
Other names: short protein forms G3488fs.
Identifiers: ClinVar variation 3000737 (VCV003000737.3), dbSNP rs2545734366, ClinGen allele CA2740095846.